The following is an entry in ClinVar:

NM_001848.3(COL6A1):c.957G>T (p.Lys319Asn)

Gene: COL6A1 (collagen type VI alpha 1 chain; plus strand). Cytogenetic location: 21q22.3.
Variant type: single nucleotide variant.
Coding change: c.957G>T on transcript NM_001848.3 (MANE Select); coding-DNA position 957, G replaced by T.
Protein change: p.Lys319Asn; replaces lysine 319 with asparagine.
Molecular consequence: missense variant.
Genome position (GRCh38, 1-based): chr21:45,990,284, G>T. VCF-style: chr21-45990284-G-T. GRCh37 (hg19) VCF-style: chr21-47410198-G-T.
Other names: short protein forms K319N.
Identifiers: ClinVar variation 379510 (VCV000379510.2), dbSNP rs1057520625, ClinGen allele CA16608092.

ClinVar aggregate classification (germline): Pathogenic (1 of 4 stars; one submission).

Submission:

GeneDx
Classification: Pathogenic. Last evaluated: 2015-04-16. Review status: criteria provided, single submitter. Criteria: GeneDx Variant Classification (06012015). Collection method: clinical testing. Allele origin: germline. Affected: yes.
Comment: The c.957 G>T variant in the COL6A1 gene has been reported previously as de novo mutation inmultiple individuals with a COL6A1-related disorder (BriÃ±as et al., 2010; Okada et al., 2007).Immunostaining of a muscle biopsy in an individual who was heterozygous for this sequence changerevealed sarcolemma-specific collagen VI deficiency (Okada et al., 2007). Furthermore, BriÃ±as et al.demonstrated that the c.957 G>T variant resulted in an abnormally spliced transcript by sequencingcDNA generated from cultured fibroblasts (2010). c.957 G>T was not observed in approximately 6,500individuals of European and African American ancestry in the NHLBI Exome Sequencing Project,indicating it is not a common benign variant in these populations. This substitution occurs at a position that is conserved across species. Another variant (c.957+1 G>A) affecting the intron 12 donor site has been reported in the Human Gene Mutation Database in association with a COL6A1-related disorder (Stenson et al., 2014). Therefore, c.957 G>T is considered a pathogenic variant.